The following is an entry in ClinVar:

NM_207122.2(EXT2):c.477_478insATTAACCAGAACACACTGCG (p.Leu160fs)

Gene: EXT2 (exostosin glycosyltransferase 2; plus strand). Cytogenetic location: 11p11.2.
Variant type: Insertion.
Coding change: c.477_478insATTAACCAGAACACACTGCG on transcript NM_207122.2 (MANE Select); coding-DNA positions 477 to 478, ATTAACCAGAACACACTGCG inserted.
Protein change: p.Leu160fs; shifts the reading frame from leucine 160.
Molecular consequence: frameshift variant.
Genome position: GRCh38 VCF-style: chr11-44108188-T-TGATTAACCAGAACACACTGC. GRCh37 (hg19) VCF-style: chr11-44129738-T-TGATTAACCAGAACACACTGC.
Other names: c.576_577insATTAACCAGAACACACTGCG, p.Leu193fs (NM_000401.3); c.477_478insATTAACCAGAACACACTGCG, p.Leu160fs (NM_001178083.3, NM_001389628.1, NM_001389630.1); short protein forms L160fs, L193fs.
Identifiers: ClinVar variation 3359100 (VCV003359100.2).

ClinVar aggregate classification (germline): Pathogenic (1 of 4 stars; one submission).

Conditions:
Exostoses, multiple, type 2 (EXT2). Also called: EXOSTOSES, MULTIPLE, TYPE II; Hereditary Multiple Osteochondromatosis, Type II. Identifiers: Orphanet 321, MedGen C1851413, MONDO:0007586, OMIM 133701.

Submission:

Institute of Human Genetics, University of Leipzig Medical Center
Classification: Pathogenic for Exostoses, multiple, type 2. Last evaluated: 2024-09-16. Review status: criteria provided, single submitter. Criteria: ACMG Guidelines, 2015. Collection method: clinical testing. Allele origin: unknown. Inheritance: Autosomal dominant inheritance. Affected: yes.
Comment: Criteria applied: PVS1,PM2,PP4